The following is an entry in ClinVar:

ClinVar aggregate classification (germline): Likely benign. Review status: criteria provided, multiple submitters, no conflicts (2 of 4 stars). 2 submissions from 2 submitters: Likely benign (2). Last evaluated 2023-03-30.

Allele frequency attached by ClinVar (database versions not stated): ExAC 0.00004; gnomAD 0.00004 and 0.00005; gnomAD exomes 0.00005; TOPMed 0.00005; ESP Exome Variant Server 0.00017.
gnomAD v4.1: 47 of 1,607,042 alleles (0.0029%); highest among the groups gnomAD compares: African/African-American, 0.021%; no homozygotes.

Submissions (2):

Labcorp Genetics (formerly Invitae), Labcorp
Classification: Likely benign. Last evaluated: 2023-03-30. Review status: criteria provided, single submitter. Criteria: Invitae Variant Classification Sherloc (09022015). Collection method: clinical testing. Allele origin: germline.

CeGaT Center for Human Genetics Tuebingen
Classification: Likely benign. Last evaluated: 2022-06-01. Review status: criteria provided, single submitter. Criteria: CeGaT Center For Human Genetics Tuebingen Variant Classification Criteria Version 2. Collection method: clinical testing. Allele origin: germline. Affected: yes. Observed: 1 variant allele.
Comment: RTTN: BP4, BP7

NM_173630.4(RTTN):c.2943C>T (p.Ser981=)

Gene: RTTN (rotatin; minus strand). Cytogenetic location: 18q22.2.
Variant type: single nucleotide variant.
Coding change: c.2943C>T on transcript NM_173630.4 (MANE Select); coding-DNA position 2943, C replaced by T.
Protein change: p.Ser981=; no amino-acid change (serine 981 retained).
Molecular consequence: synonymous variant.
Genome position (GRCh38, 1-based): chr18:70,134,484, G>A on the plus strand (C>T on the coding strand, the complement: RTTN is on the minus strand). VCF-style: chr18-70134484-G-A. GRCh37 (hg19) VCF-style: chr18-67801720-G-A.
Other names: c.207C>T, p.Ser69= (NM_001318520.2).
Identifiers: ClinVar variation 1554328 (VCV001554328.38), dbSNP rs373433381, ClinGen allele CA8995711.